The following is an entry in ClinVar:

ClinVar aggregate classification (germline): Likely benign (1 of 4 stars; one submission).

gnomAD v4.1: 63 of 152,330 alleles (0.041%); highest among the groups gnomAD compares: African/African-American, 0.12%; no homozygotes.

Submission:

CeGaT Center for Human Genetics Tuebingen
Classification: Likely benign. Last evaluated: 2026-04-01. Review status: criteria provided, single submitter. Criteria: CeGaT Center For Human Genetics Tuebingen Variant Classification Criteria Version 2. Collection method: clinical testing. Allele origin: germline. Affected: yes. Observed: 2 variant alleles.
Comment: NF1: BP4, BS1

NM_001042492.3(NF1):c.1260+1643T>C

Gene: NF1 (neurofibromin 1; plus strand). Cytogenetic location: 17q11.2.
Variant type: single nucleotide variant.
Coding change: c.1260+1643T>C on transcript NM_001042492.3 (MANE Select); 1643 bases into the intron after coding-DNA position 1260, T replaced by C.
Molecular consequence: intron variant.
Genome position (GRCh38, 1-based): chr17:31,203,128, T>C. VCF-style: chr17-31203128-T-C. GRCh37 (hg19) VCF-style: chr17-29530146-T-C.
Other names: c.1260+1643T>C (NM_000267.4, NM_001128147.3).
Identifiers: ClinVar variation 4534244 (VCV004534244.6).